The following is an entry in ClinVar:

ClinVar aggregate classification (germline): Likely pathogenic (1 of 4 stars; one submission).

Submission:

Dasa
Classification: Likely pathogenic. Last evaluated: 2025-04-14. Review status: criteria provided, single submitter. Criteria: DASA Assertion Criteria. Collection method: clinical testing. Allele origin: germline.
Comment: NM_018136.5(ASPM):c.4116T>G (p.Tyr1372*) is a nonsense variant in ASPM predicted to introduce a premature termination codon and is predicted to result in an absent or altered protein product. Loss of function is an established disease mechanism for ASPM-associated disorders. Also, this variant is absent from population databases. Based on the currently available evidence, this variant is classified as likely pathogenic.

NM_018136.5(ASPM):c.4116T>G (p.Tyr1372Ter)

Gene: ASPM (assembly factor for spindle microtubules; minus strand). Cytogenetic location: 1q31.3.
Variant type: single nucleotide variant.
Coding change: c.4116T>G on transcript NM_018136.5 (MANE Select); coding-DNA position 4116, T replaced by G.
Protein change: p.Tyr1372Ter; replaces tyrosine 1372 with a stop codon.
Molecular consequence: nonsense. On other transcripts: intron variant (1).
Genome position (GRCh38, 1-based): chr1:197,105,135, A>C on the plus strand (T>G on the coding strand, the complement: ASPM is on the minus strand). VCF-style: chr1-197105135-A-C. GRCh37 (hg19) VCF-style: chr1-197074265-A-C.
Other names: c.4066-8971T>G (NM_001206846.2); short protein forms Y1372*.
Identifiers: ClinVar variation 4881919 (VCV004881919.2).
Genomic context (GRCh38, chr1:197,105,135, plus strand): 5'-TCGTTTATAAGATGTAACAGCAATTATCATTCTTATCCTAGATTGCAGGATGATTGAATA[A>C]TATTTCAATTTCAGAAATCTTTGTCTAGTGGAATATCTTCTCCAATATCCCTGGAAAAGG-3'